The following is an entry in ClinVar:

ClinVar aggregate classification (germline): Uncertain significance (1 of 4 stars; one submission).

Conditions:
Focal segmental glomerulosclerosis 5 (FSGS5). Identifiers: Orphanet 656, MedGen C2750475, MONDO:0013191, OMIM 613237.

gnomAD v4.1: 1 of 1,611,992 alleles (0.000062%); highest among the groups gnomAD compares: Non-Finnish European, 0.000085%; no homozygotes.

Submission:

Clinical Genomics Laboratory, Washington University in St. Louis
Classification: Uncertain significance for Focal segmental glomerulosclerosis 5. Last evaluated: 2024-12-02. Review status: criteria provided, single submitter. Criteria: ACMG Guidelines, 2015. Collection method: clinical testing. Allele origin: germline.
Comment: An INF2 c.1740C>T (p.His580=) variant was identified in a heterozygous state. To our knowledge, it has not been reported in the medical literature. This variant is only observed on 1/246,962 alleles in the general population (gnomAD v.2.1.1), indicating it is not a common variant. Computational predictors are uncertain as to the impact of this variant on INF2 function. Due to limited information, and based on ACMG/AMP guidelines for variant interpretation (Richards S et al., PMID: 25741868), the clinical significance of INF2 c.1740C>T (p.His580=) variant is uncertain at this time.

NM_022489.4(INF2):c.1740C>T (p.His580=)

Gene: INF2 (inverted formin 2; plus strand). Cytogenetic location: 14q32.33.
Variant type: single nucleotide variant.
Coding change: c.1740C>T on transcript NM_022489.4 (MANE Select); coding-DNA position 1740, C replaced by T.
Protein change: p.His580=; no amino-acid change (histidine 580 retained).
Molecular consequence: synonymous variant. On other transcripts: non-coding transcript variant (1).
Genome position (GRCh38, 1-based): chr14:104,708,440, C>T. VCF-style: chr14-104708440-C-T. GRCh37 (hg19) VCF-style: chr14-105174777-C-T.
Other names: c.1740C>T, p.His580= (NM_001031714.4, NM_001426862.1, NM_001426863.1 and 2 more transcripts).
Identifiers: ClinVar variation 3600408 (VCV003600408.1).